The following is an entry in ClinVar:

NM_016302.4(CRBN):c.40A>T (p.Met14Leu)

Gene: CRBN (cereblon; minus strand). Cytogenetic location: 3p26.2.
Variant type: single nucleotide variant.
Coding change: c.40A>T on transcript NM_016302.4 (MANE Select); coding-DNA position 40, A replaced by T.
Protein change: p.Met14Leu; replaces methionine 14 with leucine.
Molecular consequence: missense variant.
Genome position (GRCh38, 1-based): chr3:3,179,648, T>A on the plus strand (A>T on the coding strand, the complement: CRBN is on the minus strand). VCF-style: chr3-3179648-T-A. GRCh37 (hg19) VCF-style: chr3-3221332-T-A.
Other names: c.40A>T, p.Met14Leu (NM_001173482.1); short protein forms M14L.
Identifiers: ClinVar variation 1028016 (VCV001028016.4), dbSNP rs753095651, ClinGen allele CA2229423.

ClinVar aggregate classification (germline): Uncertain significance. Review status: criteria provided, multiple submitters, no conflicts (2 of 4 stars). 2 submissions from 2 submitters: Uncertain significance (2). Last evaluated 2024-11-15.

Conditions:
Inborn genetic diseases. Identifiers: MedGen C0950123, MeSH D030342.
Intellectual developmental disorder, autosomal recessive 2. Also called: MENTAL RETARDATION, AUTOSOMAL RECESSIVE 2A; Intellectual disability, autosomal recessive 2. Identifiers: Orphanet 88616, MedGen C1843942, MONDO:0011828, OMIM 607417.

Allele frequency attached by ClinVar (database versions not stated): TOPMed 0.00003.

Submissions (2):

Ambry Genetics
Classification: Uncertain significance for Inborn genetic diseases. Last evaluated: 2024-11-15. Review status: criteria provided, single submitter. Criteria: Ambry Variant Classification Scheme 2023. Collection method: clinical testing. Allele origin: germline.

Baylor Genetics
Classification: Uncertain significance for Intellectual developmental disorder, autosomal recessive 2. Last evaluated: 2019-04-26. Review status: criteria provided, single submitter. Criteria: ACMG Guidelines, 2015. Collection method: clinical testing. Allele origin: paternal. Affected: yes.
Comment: This variant was determined to be of uncertain significance according to ACMG Guidelines, 2015 [PMID:25741868].